The following is an entry in ClinVar:

NM_001349798.2(FBXW7):c.1436G>T (p.Arg479Leu)

Gene: FBXW7 (F-box and WD repeat domain containing 7; minus strand). Cytogenetic location: 4q31.3.
Variant type: single nucleotide variant.
Coding change: c.1436G>T on transcript NM_001349798.2 (MANE Select); coding-DNA position 1436, G replaced by T.
Protein change: p.Arg479Leu; replaces arginine 479 with leucine.
Molecular consequence: missense variant.
Genome position (GRCh38, 1-based): chr4:152,326,214, C>A on the plus strand (G>T on the coding strand, the complement: FBXW7 is on the minus strand). VCF-style: chr4-152326214-C-A. GRCh37 (hg19) VCF-style: chr4-153247366-C-A.
Other names: c.1436G>T, p.Arg479Leu (LRG_1141t1, NM_033632.3); c.1082G>T, p.Arg361Leu (LRG_1141t3, NM_001013415.2); c.1196G>T, p.Arg399Leu (LRG_1141t2, NM_018315.5); short protein forms R479L, R361L, R399L.
Identifiers: ClinVar variation 4530538 (VCV004530538.1), dbSNP rs866987936.

ClinVar aggregate classification (somatic clinical impact): Tier I - Strong. Review status: criteria provided, single submitter (1 of 4 stars). 2 submissions from 1 submitter. 1 of the submissions does not count toward it. Last evaluated 2023-11-08.

Conditions:
Embryonal rhabdomyosarcoma (ERMS). Also called: Botryoid rhabdomyosarcoma (type of ERMS); Spindle cell rhabdomyosarcomas (type of ERMS). Identifiers: Orphanet 99757, MedGen C0206656, MONDO:0009993, HP:0006743.
Medulloblastoma WNT activated. Identifiers: MedGen C4331965, MONDO:0850196.

Submissions (2):

Institute for Genomic Medicine (IGM) Clinical Laboratory, Nationwide Children's Hospital
Classification: Tier II - Potential for Medulloblastoma WNT activated. Assertion type: diagnostic. Clinical significance: supports diagnosis. Last evaluated: 2024-10-14. Review status: criteria provided, single submitter. Criteria: AMP/ASCO/CAP Guidelines, 2017. Collection method: clinical testing. Allele origin: somatic. Affected: yes. Not counted in ClinVar's aggregate classification.
Comment: Variant has Tier II (potential) clinical significance as a diagnostic inclusion criterion in medulloblastoma WNT activated, based on the following evidence: 1) Documented in one or more cancer databases (e.g., St. Jude Pecan, COSMIC, CIViC, OncoKB). 2) Information in the literature supports potential biologic effect of variant (PMIDs: 22608923, 17646408, 30722038, 17646409). 3) Diagnostic significance based on multiple small studies (Evidence Level C; PMIDs: 22608923, 28726821, 33502920).

Institute for Genomic Medicine (IGM) Clinical Laboratory, Nationwide Children's Hospital
Classification: Tier I - Strong for Embryonal rhabdomyosarcoma. Assertion type: diagnostic. Clinical significance: supports diagnosis. Last evaluated: 2023-11-08. Review status: criteria provided, single submitter. Criteria: AMP/ASCO/CAP Guidelines, 2017. Collection method: clinical testing. Allele origin: somatic. Affected: yes.
Comment: Variant has Tier I (strong) clinical significance as a diagnostic inclusion criterion in embryonal rhabdomyosarcoma, based on the following evidence: 1) Documented in one or more cancer databases (e.g., St. Jude Pecan, COSMIC, CIViC, OncoKB). 2) Appears in one or more well-established professional guidelines (e.g., World Health Organization [WHO]; National Comprehensive Cancer Network [NCCN]) as providing diagnostic, prognostic, or therapeutic information. 3) Information in the literature supports potential biologic effect of variant (PMIDs: 22608923, 24912918). 4) Diagnostic for a specific tumor type/classification based on well-powered studies with expert-level consensus (Evidence Level B; PMIDs: 24436047, 34166060, 25768946).

Literature cited by the submitters: PubMed 22608923; PubMed 17646408; PubMed 30722038; PubMed 17646409; PubMed 28726821; PubMed 33502920; PubMed 24912918; PubMed 24436047; PubMed 34166060; PubMed 25768946.